The following is an entry in ClinVar:

NM_000228.3(LAMB3):c.628+2T>A

Gene: LAMB3 (laminin subunit beta 3; minus strand). Cytogenetic location: 1q32.2.
Variant type: single nucleotide variant.
Coding change: c.628+2T>A on transcript NM_000228.3 (MANE Select); the canonical splice donor site of the intron after coding-DNA position 628, T replaced by A.
Molecular consequence: splice donor variant.
Genome position (GRCh38, 1-based): chr1:209,633,068, A>T on the plus strand (T>A on the coding strand, the complement: LAMB3 is on the minus strand). VCF-style: chr1-209633068-A-T. GRCh37 (hg19) VCF-style: chr1-209806413-A-T.
Other names: c.628+2T>A (NM_000228.2, NM_001127641.1, NM_001017402.2).
Identifiers: ClinVar variation 1683769 (VCV001683769.7), dbSNP rs1666753666, ClinGen allele CA344594858.

ClinVar aggregate classification (germline): Likely pathogenic. Review status: criteria provided, multiple submitters, no conflicts (2 of 4 stars). 4 submissions from 4 submitters: Likely pathogenic (4). Last evaluated 2025-04-04.

Conditions:
Junctional epidermolysis bullosa, non-Herlitz type. Also called: EPIDERMOLYSIS BULLOSA JUNCTIONALIS, DISENTIS TYPE; EPIDERMOLYSIS BULLOSA JUNCTIONALIS, NON-HERLITZ TYPE; EPIDERMOLYSIS BULLOSA JUNCTIONALIS, PROGRESSIVE; EPIDERMOLYSIS BULLOSA JUNCTIONALIS, SEVERE NONLETHAL; COL17A1-Related Junctional Epidermolysis Bullosa; Epidermolysis bullosa, junctional, non-herlitz type, somatic mosaic revertant. Identifiers: Orphanet 251393, Orphanet 79402, Orphanet 79405, Orphanet 89840, MedGen C0268374, MONDO:0009180, OMIM 226650.
LAMB3-related disorder. Also called: LAMB3-related condition.
Amelogenesis imperfecta type 1A. Also called: Amelogenesis imperfecta local hypoplastic; Amelogenesis imperfecta, hypoplastic type; Amelogenesis imperfecta, type IA; AMELOGENESIS IMPERFECTA, HYPOPLASTIC TYPE IA. Identifiers: Orphanet 88661, MedGen C4011403, MONDO:0007094, OMIM 104530.

Allele frequency attached by ClinVar (database versions not stated): TOPMed 0.00001.

Submissions (4):

PreventionGenetics, part of Exact Sciences
Classification: Likely pathogenic for LAMB3-related condition. Last evaluated: 2025-04-04. Review status: criteria provided, single submitter. Criteria: ACMG Guidelines, 2015. Collection method: clinical testing. Allele origin: germline.
Comment: The LAMB3 c.628+2T>A variant is predicted to disrupt the GT donor site and interfere with normal splicing. To our knowledge, this variant has not been reported in the literature or in a large population database (gnomAD), indicating this variant is rare. Variants that disrupt the consensus splice donor site in LAMB3 are expected to be pathogenic. This variant is interpreted as likely pathogenic.

Labcorp Genetics (formerly Invitae), Labcorp
Classification: Likely pathogenic. Last evaluated: 2023-11-24. Review status: criteria provided, single submitter. Criteria: Invitae Variant Classification Sherloc (09022015). Collection method: clinical testing. Allele origin: germline.
Comment: This sequence change affects a donor splice site in intron 7 of the LAMB3 gene. It is expected to disrupt RNA splicing. Variants that disrupt the donor or acceptor splice site typically lead to a loss of protein function (PMID: 16199547), and loss-of-function variants in LAMB3 are known to be pathogenic (PMID: 11023379, 16473856). This variant is not present in population databases (gnomAD no frequency). This variant has not been reported in the literature in individuals affected with LAMB3-related conditions. ClinVar contains an entry for this variant (Variation ID: 1683769). Algorithms developed to predict the effect of sequence changes on RNA splicing suggest that this variant may disrupt the consensus splice site. In summary, the currently available evidence indicates that the variant is pathogenic, but additional data are needed to prove that conclusively. Therefore, this variant has been classified as Likely Pathogenic.

Mendelics
Classification: Likely pathogenic for Amelogenesis imperfecta type 1A. Last evaluated: 2022-05-04. Review status: criteria provided, single submitter. Criteria: Mendelics Assertion Criteria 2019. Collection method: clinical testing. Allele origin: germline.

Laboratorio de Genetica e Diagnostico Molecular, Hospital Israelita Albert Einstein
Classification: Likely pathogenic for Junctional epidermolysis bullosa, non-Herlitz type. Last evaluated: 2021-10-26. Review status: criteria provided, single submitter. Criteria: ACMG Guidelines, 2015. Collection method: clinical testing. Allele origin: germline. Affected: yes.
Comment: ACMG classification criteria: PVS1 strong, PM2 moderate

Literature cited by the submitters: PubMed 16199547 (cited by Labcorp Genetics (formerly Invitae), Labcorp); PubMed 11023379 (cited by Labcorp Genetics (formerly Invitae), Labcorp); PubMed 16473856 (cited by Labcorp Genetics (formerly Invitae), Labcorp).